The following is an entry in ClinVar:

ClinVar aggregate classification (germline): Uncertain significance (1 of 4 stars; one submission).

Conditions:
Ataxia-telangiectasia syndrome (AT). Also called: Cerebello-oculocutaneous telangiectasia; Immunodeficiency with ataxia telangiectasia; Ataxia-telangiectasia, complementation group D; AT, COMPLEMENTATION GROUP C; Ataxia-telangiectasia, complementation group E; LOUIS-BAR SYNDROME. Identifiers: Orphanet 100, MedGen C0004135, MONDO:0008840, OMIM 208900.

Submission:

Labcorp Genetics (formerly Invitae), Labcorp
Classification: Uncertain significance for Ataxia-telangiectasia syndrome. Last evaluated: 2024-02-26. Review status: criteria provided, single submitter. Criteria: Invitae Variant Classification Sherloc (09022015). Collection method: clinical testing. Allele origin: germline.
Comment: This sequence change replaces glycine, which is neutral and non-polar, with glutamic acid, which is acidic and polar, at codon 1818 of the ATM protein (p.Gly1818Glu). Information on the frequency of this variant in the gnomAD database is not available, as this variant may be reported differently in the database. This variant has not been reported in the literature in individuals affected with ATM-related conditions. ClinVar contains an entry for this variant (Variation ID: 453580). An algorithm developed to predict the effect of missense changes on protein structure and function (PolyPhen-2) suggests that this variant is likely to be disruptive. In summary, the available evidence is currently insufficient to determine the role of this variant in disease. Therefore, it has been classified as a Variant of Uncertain Significance.

NM_000051.4(ATM):c.5453_5454delinsAA (p.Gly1818Glu)

Gene: ATM (ATM serine/threonine kinase; plus strand). Cytogenetic location: 11q22.3.
Variant type: Indel.
Coding change: c.5453_5454delinsAA on transcript NM_000051.4 (MANE Select); coding-DNA positions 5453 to 5454, GC replaced by AA.
Protein change: p.Gly1818Glu; replaces glycine 1818 with glutamic acid.
Molecular consequence: missense variant.
Genome position (GRCh38, 1-based): chr11:108,302,986-108,302,987, GC replaced by AA. VCF-style: chr11-108302986-GC-AA. GRCh37 (hg19) VCF-style: chr11-108173713-GC-AA.
Other names: c.5453_5454delGCinsAA (NM_000051.3); c.5453_5454delinsAA, p.Gly1818Glu (NM_001351834.2); short protein forms G1818E.
Identifiers: ClinVar variation 453580 (VCV000453580.10), dbSNP rs1555106531, ClinGen allele CA658656257.
Genomic context (GRCh38, chr11:108,302,986, plus strand): 5'-TAAGTGAAAATCATGACATTTGGATAAAGACACTGACTTGTGCTTTTTTGGACAGTGGAG[GC>AA]ACAAAATGTGAAATTCTTCAATTATTAAAGCCAATGTGTGAAGTAAGAAGATTAATTAGT-3'
Protein context (NP_000042.3, residues 1808-1828): TLTCAFLDSG[Gly1818Glu]TKCEILQLLK